The following is an entry in ClinVar:

ClinVar aggregate classification (germline): Conflicting classifications of pathogenicity. Review status: criteria provided, conflicting classifications (1 of 4 stars). 5 submissions from 5 submitters: Uncertain significance (3); Likely benign (2). Last evaluated 2026-07-01.

Allele frequency attached by ClinVar (database versions not stated): gnomAD 0.00008 and 0.00010; TOPMed 0.00015; gnomAD exomes 0.00016 and 0.00028; ExAC 0.00029; 1000 Genomes Project 30x 0.00031; 1000 Genomes Project 0.00040.
gnomAD v4.1: 261 of 1,612,556 alleles (0.016%); highest among the groups gnomAD compares: Middle Eastern, 0.23%; 3 homozygotes.

Submissions (5):

CeGaT Center for Human Genetics Tuebingen
Classification: Likely benign. Last evaluated: 2026-07-01. Review status: criteria provided, single submitter. Criteria: CeGaT Center For Human Genetics Tuebingen Variant Classification Criteria Version 2. Collection method: clinical testing. Allele origin: germline. Affected: yes. Observed: 12 variant alleles.
Comment: TTN: BP4, BS2

Blueprint Genetics
Classification: Likely benign. Last evaluated: 2024-03-08. Review status: criteria provided, single submitter. Criteria: ACMG Guidelines, 2015. Collection method: clinical testing. Allele origin: germline.

Eurofins Ntd Llc (ga)
Classification: Uncertain significance. Last evaluated: 2018-03-09. Review status: criteria provided, single submitter. Criteria: EGL ClinVar v180209 classification definitions. Collection method: clinical testing. Allele origin: germline. Observed: 1 variant allele, 1 heterozygote.

Laboratory for Molecular Medicine, Mass General Brigham Personalized Medicine
Classification: Uncertain significance. Last evaluated: 2014-03-21. Review status: criteria provided, single submitter. Criteria: LMM Criteria. Collection method: clinical testing. Allele origin: germline. Observed: 1 variant allele.
Comment: The Lys3937Gln variant in TTN has not been previously reported in individuals wi th cardiomyopathy and absent from large population studies. Computational predic tion tools and conservation analysis are limited or unavailable for this variant . Additional information is needed to fully assess the clinical significance of the Lys3937Gln variant.

Biesecker Lab/Clinical Genomics Section, National Institutes of Health
Classification: Uncertain significance. Last evaluated: 2013-06-24. Review status: criteria provided, single submitter. Criteria: Ng et al. (Circ Cardiovasc Genet. 2013). Collection method: research. Allele origin: unknown. Observed: 1 variant allele. Study: ClinSeq.
Comment: The study set was not selected for affection status in relation to any cancer. Pathogenicity categories were based on literature curation. See Pubmed ID:23861362 for details.

Medical sequencing

NM_133379.5(TTN):c.11809A>C (p.Lys3937Gln)

Gene: TTN (titin; minus strand). Cytogenetic location: 2q31.2.
Variant type: single nucleotide variant.
Coding change: c.11809A>C on transcript NM_133379.5; coding-DNA position 11809, A replaced by C.
Protein change: p.Lys3937Gln; replaces lysine 3937 with glutamine.
Molecular consequence: missense variant. On other transcripts: intron variant (6).
Genome position (GRCh38, 1-based): chr2:178,750,591, T>G on the plus strand (A>C on the coding strand, the complement: TTN is on the minus strand). VCF-style: chr2-178750591-T-G. GRCh37 (hg19) VCF-style: chr2-179615318-T-G.
Other names: c.10360+2533A>C (NM_133378.4, NM_001256850.1); c.10222+2533A>C (NM_003319.4); c.10798+2533A>C (NM_133437.4); c.10597+2533A>C (NM_133432.3); c.11311+2533A>C (NM_001267550.2); short protein forms K3937Q.
Identifiers: ClinVar variation 166275 (VCV000166275.47), dbSNP rs562658562, ClinGen allele CA179142.